The following is an entry in ClinVar:

ClinVar aggregate classification (germline): Pathogenic/Likely pathogenic. Review status: criteria provided, multiple submitters, no conflicts (2 of 4 stars). 3 submissions from 3 submitters: Pathogenic (2); Likely pathogenic (1). Last evaluated 2025-08-14.

Conditions:
Hereditary cancer-predisposing syndrome. Also called: Neoplastic Syndromes, Hereditary; Tumor predisposition; Hereditary neoplastic syndrome; Hereditary Cancer Syndrome. Identifiers: Orphanet 140162, MedGen C0027672, MeSH D009386, MONDO:0015356.
Breast-ovarian cancer, familial, susceptibility to, 4. Identifiers: Orphanet 145, MedGen C3280345, MONDO:0013669, OMIM 614291.

Allele frequency attached by ClinVar (database versions not stated): gnomAD exomes below 0.00001; TOPMed below 0.00001; ExAC 0.00001.
gnomAD v4.1: 2 of 1,613,190 alleles (0.00012%); highest among the groups gnomAD compares: African/African-American, 0.0013%; no homozygotes.

Submissions (3):

Labcorp Genetics (formerly Invitae), Labcorp
Classification: Pathogenic for Breast-ovarian cancer, familial, susceptibility to, 4. Last evaluated: 2025-08-14. Review status: criteria provided, single submitter. Criteria: Invitae Variant Classification Sherloc (09022015). Collection method: clinical testing. Allele origin: germline.
Comment: This sequence change creates a premature translational stop signal (p.Tyr47*) in the RAD51D gene. It is expected to result in an absent or disrupted protein product. Loss-of-function variants in RAD51D are known to be pathogenic (PMID: 21822267). This variant is present in population databases (rs771077929, gnomAD 0.007%). This variant has not been reported in the literature in individuals affected with RAD51D-related conditions. ClinVar contains an entry for this variant (Variation ID: 581385). For these reasons, this variant has been classified as Pathogenic.

Ambry Genetics
Classification: Likely pathogenic for Hereditary cancer-predisposing syndrome. Last evaluated: 2025-03-03. Review status: criteria provided, single submitter. Criteria: Ambry Variant Classification Scheme 2023. Collection method: clinical testing. Allele origin: germline.
Comment: The p.Y47* variant (also known as c.141C>A), located in coding exon 2 of the RAD51D gene, results from a C to A substitution at nucleotide position 141. This changes the amino acid from a tyrosine to a stop codon within coding exon 2. The predicted stop codon occurs in the 5&rsquo; end of theRAD51D gene. Premature termination codons in the 5&rsquo; end of a gene have been reported to escape nonsense-mediated mRNAdecay and/or lead to re-initiation (Rivas et al. Science. 2015 May 8;348(6235):666-9; Lindeboom et al. Nat Genet. 2016 Oct;48(10):1112-8; Rhee et al. Sci Rep. 2017 May 10;7(1):1653). Direct evidence for this alteration is unavailable, however premature termination codons are typically deleterious in nature. Based on the majority of available evidence to date, this variant is likely to be pathogenic.

Myriad Genetics, Inc.
Classification: Pathogenic for Breast-ovarian cancer, familial, susceptibility to, 4. Last evaluated: 2024-01-04. Review status: criteria provided, single submitter. Criteria: Myriad Autosomal Dominant, Autosomal Recessive and X-Linked Classification Criteria (2023). Collection method: clinical testing. Allele origin: unknown.
Comment: This variant is considered pathogenic. This variant creates a termination codon and is predicted to result in premature protein truncation.

Literature cited by the submitters: PubMed 21822267 (cited by Labcorp Genetics (formerly Invitae), Labcorp).

NM_002878.4(RAD51D):c.141C>A (p.Tyr47Ter)

Genes: RAD51L3-RFFL (RAD51L3-RFFL readthrough; minus strand), RAD51D (RAD51 paralog D; minus strand). Cytogenetic location: 17q12.
Variant type: single nucleotide variant.
Coding change: c.141C>A on transcript NM_002878.4 (MANE Select); coding-DNA position 141, C replaced by A.
Protein change: p.Tyr47Ter; replaces tyrosine 47 with a stop codon.
Molecular consequence: nonsense. On other transcripts: non-coding transcript variant (2).
Genome position (GRCh38, 1-based): chr17:35,119,114, G>T on the plus strand (C>A on the coding strand, the complement: RAD51D is on the minus strand). VCF-style: chr17-35119114-G-T. GRCh37 (hg19) VCF-style: chr17-33446133-G-T.
Other names: c.141C>A, p.Tyr47Ter (NM_001142571.2, NM_133629.3); short protein forms Y47*.
Identifiers: ClinVar variation 581385 (VCV000581385.12), dbSNP rs771077929, ClinGen allele CA8499662.